The following is an entry in ClinVar:

NM_181552.4(CUX1):c.3877C>T (p.His1293Tyr)

Gene: CUX1 (cut like homeobox 1; plus strand). Cytogenetic location: 7q22.1.
Variant type: single nucleotide variant.
Coding change: c.3877C>T on transcript NM_181552.4 (MANE Select); coding-DNA position 3877, C replaced by T.
Protein change: p.His1293Tyr; replaces histidine 1293 with tyrosine.
Molecular consequence: missense variant. On other transcripts: intron variant (5).
Genome position (GRCh38, 1-based): chr7:102,239,574, C>T. VCF-style: chr7-102239574-C-T. GRCh37 (hg19) VCF-style: chr7-101882854-C-T.
Other names: c.3910C>T, p.His1304Tyr (NM_001202543.2); c.1256-33792C>T (NM_001913.5); c.1250-33792C>T (NM_181500.4); c.1118-33792C>T (NM_001202545.3); c.1208-33792C>T (NM_001202544.3); c.1139-33792C>T (NM_001202546.3); short protein forms H1293Y, H1304Y.
Identifiers: ClinVar variation 3767421 (VCV003767421.2).
Genomic context (GRCh38, chr7:102,239,574, plus strand): 5'-ACCATCGAAGACCTCGCCACCCAGCTCAACCTGAAAACCAGCACCGTCATCAACTGGTTC[C>T]ACAACTACAGGTACGACGGCTGGCTCACAGGGAGCGCCGGTCGGCCCAGGGGAAGGGGCT-3'
Protein context (NP_853530.2, residues 1283-1303): LKTSTVINWF[His1293Tyr]NYRSRIRREL

ClinVar aggregate classification (germline): Uncertain significance. Review status: criteria provided, multiple submitters, no conflicts (2 of 4 stars). 2 submissions from 2 submitters: Uncertain significance (2). Last evaluated 2025-10-07.

Conditions:
Inborn genetic diseases. Identifiers: MedGen C0950123, MeSH D030342.

Submissions (2):

Ambry Genetics
Classification: Uncertain significance for Inborn genetic diseases. Last evaluated: 2025-10-07. Review status: criteria provided, single submitter. Criteria: Ambry Variant Classification Scheme 2023. Collection method: clinical testing. Allele origin: germline.

GeneDx
Classification: Uncertain significance. Last evaluated: 2024-09-04. Review status: criteria provided, single submitter. Criteria: GeneDx Variant Classification Process June 2021. Collection method: clinical testing. Allele origin: germline. Affected: yes.
Comment: Not observed at significant frequency in large population cohorts (gnomAD); In silico analysis supports that this missense variant has a deleterious effect on protein structure/function; Has not been previously published as pathogenic or benign to our knowledge